The following is an entry in ClinVar:

ClinVar aggregate classification (germline): Uncertain significance. Review status: criteria provided, multiple submitters, no conflicts (2 of 4 stars). 2 submissions from 2 submitters: Uncertain significance (2). Last evaluated 2023-12-22.

Conditions:
Inborn genetic diseases. Identifiers: MedGen C0950123, MeSH D030342.

Allele frequency attached by ClinVar (database versions not stated): gnomAD exomes below 0.00001; ExAC 0.00001.
gnomAD v4.1: 16 of 1,613,960 alleles (0.00099%); highest among the groups gnomAD compares: Middle Eastern, 0.016%; no homozygotes.

Submissions (2):

Ambry Genetics
Classification: Uncertain significance for Inborn genetic diseases. Last evaluated: 2023-12-22. Review status: criteria provided, single submitter. Criteria: Ambry Variant Classification Scheme 2023. Collection method: clinical testing. Allele origin: germline.

Labcorp Genetics (formerly Invitae), Labcorp
Classification: Uncertain significance. Last evaluated: 2022-07-05. Review status: criteria provided, single submitter. Criteria: Invitae Variant Classification Sherloc (09022015). Collection method: clinical testing. Allele origin: germline.
Comment: This sequence change replaces alanine, which is neutral and non-polar, with valine, which is neutral and non-polar, at codon 802 of the PCDH12 protein (p.Ala802Val). In summary, the available evidence is currently insufficient to determine the role of this variant in disease. Therefore, it has been classified as a Variant of Uncertain Significance. Algorithms developed to predict the effect of sequence changes on RNA splicing suggest that this variant may create or strengthen a splice site. Advanced modeling of protein sequence and biophysical properties (such as structural, functional, and spatial information, amino acid conservation, physicochemical variation, residue mobility, and thermodynamic stability) performed at Invitae indicates that this missense variant is not expected to disrupt PCDH12 protein function. ClinVar contains an entry for this variant (Variation ID: 1450765). This variant has not been reported in the literature in individuals affected with PCDH12-related conditions. This variant is present in population databases (rs775992998, gnomAD 0.0009%).

NM_016580.4(PCDH12):c.2405C>T (p.Ala802Val)

Genes: PCDH12 (protocadherin 12; minus strand), RNF14 (ring finger protein 14; plus strand). Cytogenetic location: 5q31.3.
Variant type: single nucleotide variant.
Coding change: c.2405C>T on transcript NM_016580.4 (MANE Select); coding-DNA position 2405, C replaced by T.
Protein change: p.Ala802Val; replaces alanine 802 with valine.
Molecular consequence: missense variant.
Genome position (GRCh38, 1-based): chr5:141,955,447, G>A on the plus strand (C>T on the coding strand, the complement: PCDH12 is on the minus strand). VCF-style: chr5-141955447-G-A. GRCh37 (hg19) VCF-style: chr5-141335012-G-A.
Other names: c.2405C>T (NM_016580.2); short protein forms A802V.
Identifiers: ClinVar variation 1450765 (VCV001450765.9), dbSNP rs775992998, ClinGen allele CA3484222.